The following is an entry in ClinVar:

NM_006254.4(PRKCD):c.1060G>A (p.Val354Ile)

Gene: PRKCD (protein kinase C delta; plus strand). Cytogenetic location: 3p21.1.
Variant type: single nucleotide variant.
Coding change: c.1060G>A on transcript NM_006254.4 (MANE Select); coding-DNA position 1060, G replaced by A.
Protein change: p.Val354Ile; replaces valine 354 with isoleucine.
Molecular consequence: missense variant.
Genome position (GRCh38, 1-based): chr3:53,186,001, G>A. VCF-style: chr3-53186001-G-A. GRCh37 (hg19) VCF-style: chr3-53220017-G-A.
Other names: p.Val354Ile; c.1060G>A, p.Val354Ile (LRG_1327t1, NM_001316327.2, NM_001354679.2 and 2 more transcripts); c.1117G>A, p.Val373Ile (NM_001354676.2); c.1108G>A, p.Val370Ile (NM_001354678.2); short protein forms V370I, V354I, V373I.
Identifiers: ClinVar variation 658787 (VCV000658787.7), dbSNP rs782601434, ClinGen allele CA2452077.
Genomic context (GRCh38, chr3:53,186,001, plus strand): 5'-TACGGCAAGATCTGGGAGGGCAGCAGCAAGTGCAACATCAACAACTTCATCTTCCACAAG[G>A]TCCTGGGCAAAGGCAGCTTCGGGAAGGTGAGGGCTGTGAGCCGGGCACCTGCTTCCCACC-3'
Protein context (NP_006245.2, residues 344-364): CNINNFIFHK[Val354Ile]LGKGSFGKVL

ClinVar aggregate classification (germline): Uncertain significance. Review status: criteria provided, multiple submitters, no conflicts (2 of 4 stars). 3 submissions from 3 submitters: Uncertain significance (3). Last evaluated 2025-08-05.

Conditions:
Inborn genetic diseases. Identifiers: MedGen C0950123, MeSH D030342.
Autoimmune lymphoproliferative syndrome, type III caused by mutation in PRKCD. Identifiers: Orphanet 3261, Orphanet 664711, MedGen C3809928, MONDO:8000024, OMIM 615559.

Allele frequency attached by ClinVar (database versions not stated): gnomAD exomes 0.00001 and 0.00002; ExAC 0.00002; gnomAD 0.00002 and 0.00003; TOPMed 0.00005.

Submissions (3):

Ambry Genetics
Classification: Uncertain significance for Inborn genetic diseases. Last evaluated: 2025-08-05. Review status: criteria provided, single submitter. Criteria: Ambry Variant Classification Scheme 2023. Collection method: clinical testing. Allele origin: germline.

Mayo Clinic Laboratories, Mayo Clinic
Classification: Uncertain significance. Last evaluated: 2024-03-07. Review status: criteria provided, single submitter. Criteria: ACMG Guidelines, 2015. Collection method: clinical testing. Allele origin: germline. Observed: 1 variant allele.
Comment: PP2

Labcorp Genetics (formerly Invitae), Labcorp
Classification: Uncertain significance for Autoimmune lymphoproliferative syndrome, type III caused by mutation in PRKCD. Last evaluated: 2023-12-18. Review status: criteria provided, single submitter. Criteria: Invitae Variant Classification Sherloc (09022015). Collection method: clinical testing. Allele origin: germline.
Comment: This sequence change replaces valine, which is neutral and non-polar, with isoleucine, which is neutral and non-polar, at codon 354 of the PRKCD protein (p.Val354Ile). This variant is present in population databases (rs782601434, gnomAD 0.01%). This variant has not been reported in the literature in individuals affected with PRKCD-related conditions. ClinVar contains an entry for this variant (Variation ID: 658787). Algorithms developed to predict the effect of missense changes on protein structure and function output the following: SIFT: "Not Available"; PolyPhen-2: "Benign"; Align-GVGD: "Not Available". The isoleucine amino acid residue is found in multiple mammalian species, which suggests that this missense change does not adversely affect protein function. In summary, the available evidence is currently insufficient to determine the role of this variant in disease. Therefore, it has been classified as a Variant of Uncertain Significance.